The following is an entry in ClinVar:

NM_020232.5(PSMG2):c.15C>A (p.Cys5Ter)

Gene: PSMG2 (proteasome assembly chaperone 2; plus strand). Cytogenetic location: 18p11.21.
Variant type: single nucleotide variant.
Coding change: c.15C>A on transcript NM_020232.5 (MANE Select); coding-DNA position 15, C replaced by A.
Protein change: p.Cys5Ter; replaces cysteine 5 with a stop codon.
Molecular consequence: nonsense. On other transcripts: intron variant (1).
Genome position (GRCh38, 1-based): chr18:12,703,122, C>A. VCF-style: chr18-12703122-C-A. GRCh37 (hg19) VCF-style: chr18-12703121-C-A.
Other names: c.-36-3428C>A (NM_147163.2); short protein forms C5*.
Identifiers: ClinVar variation 1954570 (VCV001954570.5), dbSNP rs1195220519, ClinGen allele CA401964417.

ClinVar aggregate classification (germline): Uncertain significance (1 of 4 stars; one submission).

Allele frequency attached by ClinVar (database versions not stated): TOPMed 0.00001; gnomAD 0.00002.
gnomAD v4.1: 4 of 1,612,368 alleles (0.00025%); highest among the groups gnomAD compares: African/African-American, 0.0053%; no homozygotes.

Submission:

Labcorp Genetics (formerly Invitae), Labcorp
Classification: Uncertain significance. Last evaluated: 2022-03-28. Review status: criteria provided, single submitter. Criteria: Invitae Variant Classification Sherloc (09022015). Collection method: clinical testing. Allele origin: germline.
Comment: In summary, the available evidence is currently insufficient to determine the role of this variant in disease. Therefore, it has been classified as a Variant of Uncertain Significance. Experimental studies and prediction algorithms are not available or were not evaluated, and the functional significance of this variant is currently unknown. This variant has not been reported in the literature in individuals affected with PSMG2-related conditions. This variant is present in population databases (no rsID available, gnomAD 0.02%). This sequence change creates a premature translational stop signal (p.Cys5*) in the PSMG2 gene. It is expected to result in an absent or disrupted protein product. However, the current clinical and genetic evidence is not sufficient to establish whether loss-of-function variants in PSMG2 cause disease.